The following is an entry in ClinVar:

NM_001304284.2(USP6):c.2131C>T (p.Leu711=)

Gene: USP6 (ubiquitin specific peptidase 6; plus strand). Cytogenetic location: 17p13.2.
Variant type: single nucleotide variant.
Coding change: c.2131C>T on transcript NM_001304284.2 (MANE Select); coding-DNA position 2131, C replaced by T.
Protein change: p.Leu711=; no amino-acid change (leucine 711 retained).
Molecular consequence: synonymous variant.
Genome position (GRCh38, 1-based): chr17:5,145,543, C>T. VCF-style: chr17-5145543-C-T. GRCh37 (hg19) VCF-style: chr17-5048838-C-T.
Other names: c.2131C>T, p.Leu711= (NM_001039674.1, NM_004505.4).
Identifiers: ClinVar variation 2647292 (VCV002647292.24), dbSNP rs151063935, ClinGen allele CA8321551.
Genomic context (GRCh38, chr17:5,145,543, plus strand): 5'-TGCAAGACATGTGGGCATATAAGTGTCCGATTTGACCCTTTCAATTTTTTGTCTTTGCCA[C>T]TACCAATGGACAGTTACATGGACTTAGAAATAACAGGTAGGTCACAAAGTTCTGAAAAAT-3'
Protein context (NP_001291213.1, residues 701-721): FDPFNFLSLP[Leu711=]PMDSYMDLEI

ClinVar aggregate classification (germline): Likely benign (1 of 4 stars; one submission).

Allele frequency attached by ClinVar (database versions not stated): ExAC 0.00070; gnomAD 0.00104; TOPMed 0.00105; ESP Exome Variant Server 0.00123; gnomAD exomes 0.00168.
gnomAD v4.1: 2,565 of 1,611,102 alleles (0.16%); highest among the groups gnomAD compares: Non-Finnish European, 0.21%; 6 homozygotes.

Submission:

CeGaT Center for Human Genetics Tuebingen
Classification: Likely benign. Last evaluated: 2022-10-01. Review status: criteria provided, single submitter. Criteria: CeGaT Center For Human Genetics Tuebingen Variant Classification Criteria Version 2. Collection method: clinical testing. Allele origin: germline. Affected: yes. Observed: 1 variant allele.
Comment: USP6: BP4, BP7